The following is an entry in ClinVar:

ClinVar aggregate classification (germline): Uncertain significance (0 of 4 stars; one submission).

Conditions:
Prostate cancer. Also called: Malignant tumor of prostate. Identifiers: Orphanet 1331, MedGen C0376358, MONDO:0008315, HP:0012125.

Submission:

Science for Life laboratory,  Karolinska Institutet
Classification: Uncertain significance for Malignant tumor of prostate. Review status: no assertion criteria provided. Collection method: not provided. Allele origin: somatic.
Comment: TumorID:SWE-91A
ClinVar note: Converted during submission from Unknown to Uncertain significance.

NM_001819.3(CHGB):c.1308A>C (p.Glu436Asp)

Gene: CHGB (chromogranin B; plus strand). Cytogenetic location: 20p12.3.
Variant type: single nucleotide variant.
Coding change: c.1308A>C on transcript NM_001819.3 (MANE Select); coding-DNA position 1308, A replaced by C.
Protein change: p.Glu436Asp; replaces glutamic acid 436 with aspartic acid.
Molecular consequence: missense variant.
Genome position (GRCh38, 1-based): chr20:5,923,452, A>C. VCF-style: chr20-5923452-A-C. GRCh37 (hg19) VCF-style: chr20-5904098-A-C.
Other names: short protein forms E436D.
Identifiers: ClinVar variation 161584 (VCV000161584.2), dbSNP rs193921088, ClinGen allele CA214529.
Genomic context (GRCh38, chr20:5,923,452, plus strand): 5'-ACGCCATCACAGAGGCAGGGGAGGGGAGCCACGTGCCTATTTCATGTCTGACACCAGAGA[A>C]GAGAAAAGGTTCTTGGGTGAAGGACACCACCGTGTCCAAGAAAACCAGATGGACAAGGCA-3'
Protein context (NP_001810.2, residues 426-446): PRAYFMSDTR[Glu436Asp]EKRFLGEGHH